The following is an entry in ClinVar:

ClinVar aggregate classification (germline): Pathogenic. Review status: reviewed by expert panel (3 of 4 stars). 7 submissions from 7 submitters: Pathogenic (1). 6 of the submissions do not count toward it. Last evaluated 2026-07-20.

Conditions:
Meckel-Gruber syndrome. Also called: DYSENCEPHALIA SPLANCHNOCYSTICA; GRUBER SYNDROME; Dysencephalia splachnocystica. Identifiers: Orphanet 564, MedGen C0265215, MONDO:0018921.
Nephronophthisis. Also called: Juvenile Nephronophthisis. Identifiers: Orphanet 655, MedGen C0687120, MONDO:0019005, HP:0000090.
Joubert syndrome. Also called: JOUBERT-BOLTSHAUSER SYNDROME; Familial aplasia of the vermis. Identifiers: Orphanet 475, MedGen C5979921, MONDO:0018772.
CEP290-related ciliopathy. Also called: CEP290 ciliopathy. Identifiers: MedGen CN305601, MONDO:0100451.
Leber congenital amaurosis (LCA). Also called: Leber's amaurosis. Identifiers: Orphanet 65, MedGen C0339527, MeSH D057130, MONDO:0018998.
Bardet-Biedl syndrome 14 (BBS14). Identifiers: Orphanet 110, MedGen C2673874, MONDO:0014442, OMIM 615991.
Leber congenital amaurosis 10 (LCA10). Identifiers: Orphanet 65, MedGen C1857821, MONDO:0012723, OMIM 611755.
Joubert syndrome 5 (JBTS5). Identifiers: Orphanet 2318, MedGen C1857780, MONDO:0012432, OMIM 610188.

Allele frequency attached by ClinVar (database versions not stated): gnomAD exomes below 0.00001.
gnomAD v4.1: 1 of 1,603,078 alleles (0.000062%); highest among the groups gnomAD compares: Non-Finnish European, 0.000085%; no homozygotes.

Submissions (7):

ClinGen Leber Congenital Amaurosis/early Onset Retinal Dystrophy Variant Curation Expert Panel, ClinGen
Classification: Pathogenic for CEP290-related ciliopathy. Last evaluated: 2026-07-20. Review status: reviewed by expert panel. Criteria: ClinGen LCAeoRD ACMG Specifications CEP290 V1.0.0. Collection method: curation. Allele origin: germline. Inheritance: Autosomal recessive inheritance.
Comment: NM_025114.4(CEP290):c.3904C>T (p.Gln1302Ter) is a nonsense variant that introduces a premature stop codon into exon 31 of 54 and is predicted to lead to nonsense-mediated decay in a gene in which loss-of-function is an established mechanism of disease (PVS1). This variant is present in gnomAD v.4.1.1 at a total allele frequency of 0.0000006238, with 1 allele / 1,603,078 total alleles, which is lower than the ClinGen LCA/eoRD VCEP PM2_Supporting threshold of <0.0006 (PM2_Supporting). The variant has been reported to segregate with childhood-onset severe retinal dystrophy through the proband plus 1 similarly affected relative, with the variant present in the compound heterozygous state (PMID: 26092869, PP1). In summary, this variant meets the criteria to be classified as Pathogenic for CEP290-related ciliopathy based on the ACMG/AMP criteria applied, as specified by the ClinGen LCA/eoRD VCEP: PVS1, PM2_Supporting, and PP1. (LCA/eoRD VCEP Specifications for CEP290 Version 1.0.0)

Myriad Genetics, Inc.
Classification: Pathogenic for CEP290-related ciliopathy. Last evaluated: 2026-04-01. Review status: criteria provided, single submitter. Criteria: Myriad Autosomal Dominant, Autosomal Recessive and X-Linked Classification Criteria (2023). Collection method: clinical testing. Allele origin: unknown. Not counted in ClinVar's aggregate classification.
Comment: NM_025114.3(CEP290):c.3904C>T(Q1302*) is expected to be pathogenic in the context of CEP290-related disorders. This variant is predicted to lead to an abnormal or absent protein product due to the creation of a premature termination codon in CEP290, a gene where loss-of-function variants are known to be pathogenic. Please note: this variant was assessed in the context of healthy population screening.

Baylor Genetics
Classification: Pathogenic for Bardet-Biedl syndrome 14. Last evaluated: 2023-11-25. Review status: criteria provided, single submitter. Criteria: ACMG Guidelines, 2015. Collection method: clinical testing. Allele origin: unknown. Not counted in ClinVar's aggregate classification.

Labcorp Genetics (formerly Invitae), Labcorp
Classification: Pathogenic for Joubert syndrome; Meckel-Gruber syndrome; Nephronophthisis. Last evaluated: 2023-07-13. Review status: criteria provided, single submitter. Criteria: Invitae Variant Classification Sherloc (09022015). Collection method: clinical testing. Allele origin: germline. Not counted in ClinVar's aggregate classification.
Comment: For these reasons, this variant has been classified as Pathogenic. ClinVar contains an entry for this variant (Variation ID: 156385). This premature translational stop signal has been observed in individual(s) with Leber congenital amaurosis or Joubert syndrome (PMID: 25445212, 26092869). The frequency data for this variant in the population databases is considered unreliable, as metrics indicate poor data quality at this position in the gnomAD database. This sequence change creates a premature translational stop signal (p.Gln1302*) in the CEP290 gene. It is expected to result in an absent or disrupted protein product. Loss-of-function variants in CEP290 are known to be pathogenic (PMID: 16909394, 17345604, 20690115).

UW Hindbrain Malformation Research Program, University of Washington
Classification: Pathogenic for Joubert syndrome 5. Last evaluated: 2015-02-23. Review status: criteria provided, single submitter. Criteria: Bachmann-Gagescu et al. (J Med Genet. 2015). Collection method: research. Allele origin: unknown. Affected: yes. Not counted in ClinVar's aggregate classification.

Natera, Inc.
Classification: Pathogenic for Leber congenital amaurosis. Last evaluated: 2020-07-07. Review status: no assertion criteria provided. Collection method: clinical testing. Allele origin: germline. Not counted in ClinVar's aggregate classification.

Molecular Diagnostics Laboratory, Seoul National University Hospital
Classification: Pathogenic for Leber congenital amaurosis 10. Last evaluated: 2014-09-18. Review status: no assertion criteria provided. Collection method: clinical testing. Allele origin: unknown. Affected: yes. Not counted in ClinVar's aggregate classification.

Literature cited by the submitters: PubMed 25445212 (cited by Labcorp Genetics (formerly Invitae), Labcorp); PubMed 26092869 (cited by Labcorp Genetics (formerly Invitae), Labcorp); PubMed 16909394 (cited by Labcorp Genetics (formerly Invitae), Labcorp); PubMed 17345604 (cited by Labcorp Genetics (formerly Invitae), Labcorp); PubMed 20690115 (cited by Labcorp Genetics (formerly Invitae), Labcorp).

NM_025114.4(CEP290):c.3904C>T (p.Gln1302Ter)

Gene: CEP290 (centrosomal protein 290; minus strand). Cytogenetic location: 12q21.32.
Variant type: single nucleotide variant.
Coding change: c.3904C>T on transcript NM_025114.4 (MANE Select); coding-DNA position 3904, C replaced by T.
Protein change: p.Gln1302Ter; replaces glutamine 1302 with a stop codon.
Molecular consequence: nonsense.
Genome position (GRCh38, 1-based): chr12:88,089,157, G>A on the plus strand (C>T on the coding strand, the complement: CEP290 is on the minus strand). VCF-style: chr12-88089157-G-A. GRCh37 (hg19) VCF-style: chr12-88482934-G-A.
Other names: NM_025114.4(CEP290):c.3904C>T; p.Gln1302Ter; short protein forms Q1302*.
Identifiers: ClinVar variation 156385 (VCV000156385.15), dbSNP rs587783016, ClinGen allele CA277711.
Genomic context (GRCh38, chr12:88,089,157, plus strand): 5'-CCATCTCCAATGTTTTGTTCTCCATATTTCTATGTTCTTGTTGAGAATTTTTCATTTCTT[G>A]CATTATCTTAAGTTTGTCATTTTGTAGTTGAATCATTGTTTTGGAGAACTTTTCCTGTTG-3'